The following is an entry in ClinVar:

NM_012064.4(MIP):c.560G>T (p.Arg187Leu)

Gene: MIP (major intrinsic protein of lens fiber; minus strand). Cytogenetic location: 12q13.3.
Variant type: single nucleotide variant.
Coding change: c.560G>T on transcript NM_012064.4 (MANE Select); coding-DNA position 560, G replaced by T.
Protein change: p.Arg187Leu; replaces arginine 187 with leucine.
Molecular consequence: missense variant.
Genome position (GRCh38, 1-based): chr12:56,453,118, C>A on the plus strand (G>T on the coding strand, the complement: MIP is on the minus strand). VCF-style: chr12-56453118-C-A. GRCh37 (hg19) VCF-style: chr12-56846902-C-A.
Other names: short protein forms R187L.
Identifiers: ClinVar variation 474240 (VCV000474240.8), dbSNP rs759746926, ClinGen allele CA385270599.

ClinVar aggregate classification (germline): Uncertain significance (1 of 4 stars; one submission).

Conditions:
Cataract 15 multiple types. Also called: CATARACT 15, LAMELLAR WITH SUTURAL OPACITIES. Identifiers: Orphanet 91492, MedGen C3809001, MONDO:0014110, OMIM 615274.

Submission:

Labcorp Genetics (formerly Invitae), Labcorp
Classification: Uncertain significance for Cataract 15 multiple types. Last evaluated: 2016-09-29. Review status: criteria provided, single submitter. Criteria: Invitae Variant Classification Sherloc (09022015). Collection method: clinical testing. Allele origin: germline.
Comment: In summary, this variant is a novel missense change with uncertain impact on protein function. It has been classified as a Variant of Uncertain Significance. Algorithms developed to predict the effect of missense changes on protein structure and function (SIFT, PolyPhen-2, Align-GVGD) all suggest that this variant is likely to be disruptive, but these predictions have not been confirmed by published functional studies. This variant is not present in population databases (ExAC no frequency) and has not been reported in the literature in individuals with a MIP-related disease. This sequence change replaces arginine with leucine at codon 187 of the MIP protein (p.Arg187Leu). The arginine residue is highly conserved and there is a moderate physicochemical difference between arginine and leucine.